The following is an entry in ClinVar:

NM_020812.4(DOCK6):c.6056C>G (p.Thr2019Ser)

Gene: DOCK6 (dedicator of cytokinesis 6; minus strand). Cytogenetic location: 19p13.2.
Variant type: single nucleotide variant.
Coding change: c.6056C>G on transcript NM_020812.4 (MANE Select); coding-DNA position 6056, C replaced by G.
Protein change: p.Thr2019Ser; replaces threonine 2019 with serine.
Molecular consequence: missense variant.
Genome position (GRCh38, 1-based): chr19:11,200,353, G>C on the plus strand (C>G on the coding strand, the complement: DOCK6 is on the minus strand). VCF-style: chr19-11200353-G-C. GRCh37 (hg19) VCF-style: chr19-11311029-G-C.
Other names: c.6161C>G, p.Thr2054Ser (NM_001367830.1); short protein forms T2019S, T2054S.
Identifiers: ClinVar variation 1981752 (VCV001981752.1), dbSNP rs764405177, ClinGen allele CA9206245.

ClinVar aggregate classification (germline): Uncertain significance (1 of 4 stars; one submission).

Allele frequency attached by ClinVar (database versions not stated): gnomAD 0.00001; gnomAD exomes 0.00001; TOPMed 0.00002; ExAC 0.00003.
gnomAD v4.1: 8 of 1,582,500 alleles (0.00051%); highest among the groups gnomAD compares: Admixed American, 0.011%; no homozygotes.

Submission:

Labcorp Genetics (formerly Invitae), Labcorp
Classification: Uncertain significance. Last evaluated: 2022-07-06. Review status: criteria provided, single submitter. Criteria: Invitae Variant Classification Sherloc (09022015). Collection method: clinical testing. Allele origin: germline.
Comment: This sequence change replaces threonine, which is neutral and polar, with serine, which is neutral and polar, at codon 2019 of the DOCK6 protein (p.Thr2019Ser). This variant is present in population databases (rs764405177, gnomAD 0.007%). This variant has not been reported in the literature in individuals affected with DOCK6-related conditions. Algorithms developed to predict the effect of missense changes on protein structure and function output the following: SIFT: "Tolerated"; PolyPhen-2: "Benign"; Align-GVGD: "Class C0". The serine amino acid residue is found in multiple mammalian species, which suggests that this missense change does not adversely affect protein function. In summary, the available evidence is currently insufficient to determine the role of this variant in disease. Therefore, it has been classified as a Variant of Uncertain Significance.